The following is an entry in ClinVar:

ClinVar aggregate classification (germline): Uncertain significance. Review status: criteria provided, single submitter (1 of 4 stars). 2 submissions from 2 submitters: Uncertain significance (1). 1 of the submissions does not count toward it. Last evaluated 2023-06-29.

Conditions:
Hereditary diffuse leukoencephalopathy with spheroids. Also called: LEUKOENCEPHALOPATHY, ADULT-ONSET, WITH AXONAL SPHEROIDS AND PIGMENTED GLIA. Identifiers: Orphanet 313808, MedGen C3711381, MONDO:0030796.

Submissions (2):

Labcorp Genetics (formerly Invitae), Labcorp
Classification: Uncertain significance. Last evaluated: 2023-06-29. Review status: criteria provided, single submitter. Criteria: Invitae Variant Classification Sherloc (09022015). Collection method: clinical testing. Allele origin: germline.
Comment: This missense change has been observed in individuals with hereditary diffuse leukoencephalopathy with spheroids (PMID: 24532199; Invitae). This variant is not present in population databases (gnomAD no frequency). This sequence change replaces isoleucine, which is neutral and non-polar, with threonine, which is neutral and polar, at codon 906 of the CSF1R protein (p.Ile906Thr). ClinVar contains an entry for this variant (Variation ID: 162124). In summary, the available evidence is currently insufficient to determine the role of this variant in disease. Therefore, it has been classified as a Variant of Uncertain Significance. Advanced modeling of protein sequence and biophysical properties (such as structural, functional, and spatial information, amino acid conservation, physicochemical variation, residue mobility, and thermodynamic stability) has been performed at Invitae for this missense variant, however the output from this modeling did not meet the statistical confidence thresholds required to predict the impact of this variant on CSF1R protein function.

GeneReviews
No classification provided. Condition: Hereditary diffuse leukoencephalopathy with spheroids. Review status: no classification provided. Collection method: literature only. Allele origin: germline. Affected: yes. Not counted in ClinVar's aggregate classification.

Literature cited by the submitters: PubMed 24532199 (cited by Labcorp Genetics (formerly Invitae), Labcorp and GeneReviews); NCBI Bookshelf NBK100239 (cited by GeneReviews).

NM_001288705.3(CSF1R):c.2717T>C (p.Ile906Thr)

Gene: CSF1R (colony stimulating factor 1 receptor; minus strand). Cytogenetic location: 5q32.
Variant type: single nucleotide variant.
Coding change: c.2717T>C on transcript NM_001288705.3 (MANE Select); coding-DNA position 2717, T replaced by C.
Protein change: p.Ile906Thr; replaces isoleucine 906 with threonine.
Molecular consequence: missense variant. On other transcripts: non-coding transcript variant (2).
Genome position (GRCh38, 1-based): chr5:150,054,368, A>G on the plus strand (T>C on the coding strand, the complement: CSF1R is on the minus strand). VCF-style: chr5-150054368-A-G. GRCh37 (hg19) VCF-style: chr5-149433931-A-G.
Other names: c.2717T>C, p.Ile906Thr (NM_001349736.2, NM_001375320.1, NM_005211.4); c.2273T>C, p.Ile758Thr (NM_001375321.1); short protein forms I906T, I758T.
Identifiers: ClinVar variation 162124 (VCV000162124.10), dbSNP rs690016560, ClinGen allele CA346094.